The following is an entry in ClinVar:

NM_000243.3(MEFV):c.931G>A (p.Ala311Thr)

Gene: MEFV (MEFV innate immunity regulator, pyrin; minus strand). Cytogenetic location: 16p13.3.
Variant type: single nucleotide variant.
Coding change: c.931G>A on transcript NM_000243.3 (MANE Select); coding-DNA position 931, G replaced by A.
Protein change: p.Ala311Thr; replaces alanine 311 with threonine.
Molecular consequence: missense variant.
Genome position (GRCh38, 1-based): chr16:3,249,760, C>T on the plus strand (G>A on the coding strand, the complement: MEFV is on the minus strand). VCF-style: chr16-3249760-C-T. GRCh37 (hg19) VCF-style: chr16-3299760-C-T.
Other names: c.298G>A, p.Ala100Thr (NM_001198536.2); short protein forms A100T, A311T.
Identifiers: ClinVar variation 4737118 (VCV004737118.1).

ClinVar aggregate classification (germline): Uncertain significance (1 of 4 stars; one submission).

Conditions:
Familial Mediterranean fever (FMF). Also called: POLYSEROSITIS, FAMILIAL PAROXYSMAL; POLYSEROSITIS, RECURRENT; Periodic peritonitis; Benign paroxysmal peritonitis. Identifiers: Orphanet 342, MedGen C0031069, MONDO:0018088, OMIM 249100. Disease mechanism: gain of function.

Submission:

Labcorp Genetics (formerly Invitae), Labcorp
Classification: Uncertain significance for Familial Mediterranean fever. Last evaluated: 2025-10-21. Review status: criteria provided, single submitter. Criteria: Invitae Variant Classification Sherloc (09022015). Collection method: clinical testing. Allele origin: germline.
Comment: This sequence change replaces alanine, which is neutral and non-polar, with threonine, which is neutral and polar, at codon 311 of the MEFV protein (p.Ala311Thr). This variant is not present in population databases (gnomAD no frequency). This variant has not been reported in the literature in individuals affected with MEFV-related conditions. An algorithm developed to predict the effect of missense changes on protein structure and function (PolyPhen-2) suggests that this variant is likely to be tolerated. In summary, the available evidence is currently insufficient to determine the role of this variant in disease. Therefore, it has been classified as a Variant of Uncertain Significance.